The following is an entry in ClinVar:

NM_000795.4(DRD2):c.955C>G (p.Pro319Ala)

Gene: DRD2 (dopamine receptor D2; minus strand). Cytogenetic location: 11q23.2.
Variant type: single nucleotide variant.
Coding change: c.955C>G on transcript NM_000795.4 (MANE Select); coding-DNA position 955, C replaced by G.
Protein change: p.Pro319Ala; replaces proline 319 with alanine.
Molecular consequence: missense variant.
Genome position (GRCh38, 1-based): chr11:113,412,739, G>C on the plus strand (C>G on the coding strand, the complement: DRD2 is on the minus strand). VCF-style: chr11-113412739-G-C. GRCh37 (hg19) VCF-style: chr11-113283461-G-C.
Other names: c.868C>G, p.Pro290Ala (NM_016574.4); short protein forms P319A, P290A.
Identifiers: ClinVar variation 3674308 (VCV003674308.2).

ClinVar aggregate classification (germline): Uncertain significance (1 of 4 stars; one submission).

Conditions:
Dystonic disorder. Also called: Dystonia. Identifiers: MedGen C0013421, MONDO:0003441, HP:0001332.

Submission:

Labcorp Genetics (formerly Invitae), Labcorp
Classification: Uncertain significance for Dystonic disorder. Last evaluated: 2024-10-28. Review status: criteria provided, single submitter. Criteria: Invitae Variant Classification Sherloc (09022015). Collection method: clinical testing. Allele origin: germline.
Comment: This sequence change replaces proline, which is neutral and non-polar, with alanine, which is neutral and non-polar, at codon 319 of the DRD2 protein (p.Pro319Ala). This variant is not present in population databases (gnomAD no frequency). This variant has not been reported in the literature in individuals affected with DRD2-related conditions. An algorithm developed to predict the effect of missense changes on protein structure and function outputs the following: PolyPhen-2: "Benign". The alanine amino acid residue is found in multiple mammalian species, which suggests that this missense change does not adversely affect protein function. In summary, the available evidence is currently insufficient to determine the role of this variant in disease. Therefore, it has been classified as a Variant of Uncertain Significance.